The following is an entry in ClinVar:

ClinVar aggregate classification (germline): Benign/Likely benign. Review status: criteria provided, multiple submitters, no conflicts (2 of 4 stars). 3 submissions from 3 submitters: Benign (1); Likely benign (1). 1 of the submissions does not count toward it. Last evaluated 2026-01-26.

Conditions:
SUN1-related disorder. Also called: SUN1-related condition.
Emery-Dreifuss muscular dystrophy (EDMD). Also called: Scapuloperoneal syndrome, X-linked (formerly); Humeroperoneal neuromuscular disease, (formerly). Identifiers: Orphanet 261, MedGen C0410189, MONDO:0016830.

Allele frequency attached by ClinVar (database versions not stated): ESP Exome Variant Server 0.00016; 1000 Genomes Project 0.00080; gnomAD 0.00051; TOPMed 0.00057; 1000 Genomes Project 30x 0.00078.
gnomAD v4.1: 451 of 1,584,970 alleles (0.028%); highest among the groups gnomAD compares: East Asian, 0.74%; 5 homozygotes.

Submissions (3):

Labcorp Genetics (formerly Invitae), Labcorp
Classification: Benign for Emery-Dreifuss muscular dystrophy. Last evaluated: 2026-01-26. Review status: criteria provided, single submitter. Criteria: Invitae Variant Classification Sherloc (09022015). Collection method: clinical testing. Allele origin: germline.

Mayo Clinic Laboratories, Mayo Clinic
Classification: Likely benign. Last evaluated: 2025-10-22. Review status: criteria provided, single submitter. Criteria: ACMG Guidelines, 2015. Collection method: clinical testing. Allele origin: germline. Observed: 1 variant allele.
Comment: BS1, BP4

PreventionGenetics, part of Exact Sciences
Classification: Benign for SUN1-related condition. Last evaluated: 2019-05-24. Review status: no assertion criteria provided. Collection method: clinical testing. Allele origin: germline. Not counted in ClinVar's aggregate classification.
Comment: This variant is classified as benign based on ACMG/AMP sequence variant interpretation guidelines (Richards et al. 2015 PMID: 25741868, with internal and published modifications).

NM_001130965.3(SUN1):c.257G>C (p.Arg86Pro)

Gene: SUN1 (Sad1 and UNC84 domain containing 1; plus strand). Cytogenetic location: 7p22.3.
Variant type: single nucleotide variant.
Coding change: c.257G>C on transcript NM_001130965.3 (MANE Select); coding-DNA position 257, G replaced by C.
Protein change: p.Arg86Pro; replaces arginine 86 with proline.
Molecular consequence: missense variant. On other transcripts: 5 prime UTR variant (2), non-coding transcript variant (3), intron variant (2).
Genome position (GRCh38, 1-based): chr7:838,977, G>C. VCF-style: chr7-838977-G-C. GRCh37 (hg19) VCF-style: chr7-878614-G-C.
Other names: p.Arg86Pro; c.257G>C, p.Arg86Pro (NM_001171944.2, NM_001171946.2, NM_001367633.1 and 34 more transcripts); c.320G>C, p.Arg107Pro (NM_001171945.2); c.-201G>C (NM_001367635.1); c.107G>C, p.Arg36Pro (NM_001367636.1, NM_001367637.1, NM_001367644.1 and 24 more transcripts); c.476G>C, p.Arg159Pro (NM_001367651.1); c.-505G>C (NM_001367658.1); c.78-2969G>C (NM_001367695.1); and 1 more; short protein forms R36P, R86P, R107P, R159P.
Identifiers: ClinVar variation 703907 (VCV000703907.15), dbSNP rs375668872, ClinGen allele CA4111426.
Genomic context (GRCh38, chr7:838,977, plus strand): 5'-GGGATGGTGAGGCTGTGGGTGCCGACAGCGGCACCAGCAGCGCTGTCTCCCTGAAGAACC[G>C]AGCGGCCAGGTGAGCACCGCTGCACTTCCTCTCCATCTGATCTCTAACACCAGTTAAAAC-3'
Protein context (NP_001124437.1, residues 76-96): GTSSAVSLKN[Arg86Pro]AARTTKQRRS